The following is an entry in ClinVar:

ClinVar aggregate classification (germline): Benign/Likely benign. Review status: criteria provided, multiple submitters, no conflicts (2 of 4 stars). 4 submissions from 4 submitters: Benign (1); Likely benign (3). Last evaluated 2024-12-31.

Conditions:
Hereditary cancer-predisposing syndrome. Also called: Tumor predisposition; Neoplastic Syndromes, Hereditary; Hereditary neoplastic syndrome; Hereditary Cancer Syndrome. Identifiers: Orphanet 140162, MedGen C0027672, MeSH D009386, MONDO:0015356.
Lynch syndrome. Identifiers: Orphanet 144, MedGen C4552100, MONDO:0005835. Disease mechanism: loss of function.
Lynch syndrome 5 (LYNCH5). Also called: Hereditary non-polyposis colorectal cancer, type 5; Colorectal cancer, hereditary nonpolyposis, type 5. Identifiers: Orphanet 144, MedGen C1833477, MONDO:0013710, OMIM 614350. Disease mechanism: loss of function.

Submissions (4):

Myriad Genetics, Inc.
Classification: Benign for Lynch syndrome 5. Last evaluated: 2024-12-31. Review status: criteria provided, single submitter. Criteria: Myriad Autosomal Dominant, Autosomal Recessive and X-Linked Classification Criteria (2023). Collection method: clinical testing. Allele origin: unknown.
Comment: This variant is considered benign. This variant is a silent/synonymous amino acid change and it is not expected to impact splicing.

All of Us Research Program, National Institutes of Health
Classification: Likely benign for Lynch syndrome. Last evaluated: 2023-11-20. Review status: criteria provided, single submitter. Criteria: ACMG Guidelines, 2015. Collection method: clinical testing. Allele origin: germline. Inheritance: Autosomal dominant inheritance. Observed: 1 variant allele, 1 heterozygote.
Comment: This study involves interpretation of variants in research participants for the purpose of population health screening. Participant phenotype was not available at the time of variant classification. Additional details can be found in publication PMID: 35346344, PMCID: PMC8962531

Ambry Genetics
Classification: Likely benign for Hereditary cancer-predisposing syndrome. Last evaluated: 2022-11-12. Review status: criteria provided, single submitter. Criteria: Ambry Variant Classification Scheme 2023. Collection method: clinical testing. Allele origin: germline.

Color Diagnostics, LLC DBA Color Health
Classification: Likely benign for Hereditary cancer-predisposing syndrome. Last evaluated: 2018-02-23. Review status: criteria provided, single submitter. Criteria: ACMG Guidelines, 2015. Collection method: clinical testing. Allele origin: germline.

NM_000179.3(MSH6):c.2466C>T (p.Leu822=)

Gene: MSH6 (mutS homolog 6; plus strand). Cytogenetic location: 2p16.3.
Variant type: single nucleotide variant.
Coding change: c.2466C>T on transcript NM_000179.3 (MANE Select); coding-DNA position 2466, C replaced by T.
Protein change: p.Leu822=; no amino-acid change (leucine 822 retained).
Molecular consequence: synonymous variant.
Genome position (GRCh38, 1-based): chr2:47,800,449, C>T. VCF-style: chr2-47800449-C-T. GRCh37 (hg19) VCF-style: chr2-48027588-C-T.
Other names: c.2076C>T, p.Leu692= (NM_001281492.2); c.1560C>T, p.Leu520= (NM_001281493.2, NM_001281494.2).
Identifiers: ClinVar variation 631400 (VCV000631400.6), dbSNP rs1558665545, ClinGen allele CA426121942.